The following is an entry in ClinVar:

NM_001363711.2(DUOX2):c.1448A>G (p.Glu483Gly)

Gene: DUOX2 (dual oxidase 2; minus strand). Cytogenetic location: 15q21.1.
Variant type: single nucleotide variant.
Coding change: c.1448A>G on transcript NM_001363711.2 (MANE Select); coding-DNA position 1448, A replaced by G.
Protein change: p.Glu483Gly; replaces glutamic acid 483 with glycine.
Molecular consequence: missense variant.
Genome position (GRCh38, 1-based): chr15:45,108,173, T>C on the plus strand (A>G on the coding strand, the complement: DUOX2 is on the minus strand). VCF-style: chr15-45108173-T-C. GRCh37 (hg19) VCF-style: chr15-45400371-T-C.
Other names: c.1448A>G, p.Glu483Gly (NM_014080.5); c.1448A>G (NM_014080.4); short protein forms E483G.
Identifiers: ClinVar variation 1422127 (VCV001422127.5), dbSNP rs1485965084, ClinGen allele CA392276606.

ClinVar aggregate classification (germline): Uncertain significance. Review status: criteria provided, multiple submitters, no conflicts (2 of 4 stars). 2 submissions from 2 submitters: Uncertain significance (2). Last evaluated 2025-12-11.

Conditions:
Inborn genetic diseases. Identifiers: MedGen C0950123, MeSH D030342.

Allele frequency attached by ClinVar (database versions not stated): gnomAD 0.00001; TOPMed 0.00001.
gnomAD v4.1: 4 of 1,614,002 alleles (0.00025%); highest among the groups gnomAD compares: Non-Finnish European, 0.00034%; no homozygotes.

Submissions (2):

Ambry Genetics
Classification: Uncertain significance for Inborn genetic diseases. Last evaluated: 2025-12-11. Review status: criteria provided, single submitter. Criteria: Ambry Variant Classification Scheme 2023. Collection method: clinical testing. Allele origin: germline.

Labcorp Genetics (formerly Invitae), Labcorp
Classification: Uncertain significance. Last evaluated: 2025-04-01. Review status: criteria provided, single submitter. Criteria: Invitae Variant Classification Sherloc (09022015). Collection method: clinical testing. Allele origin: germline.
Comment: This sequence change replaces glutamic acid, which is acidic and polar, with glycine, which is neutral and non-polar, at codon 483 of the DUOX2 protein (p.Glu483Gly). This variant is not present in population databases (gnomAD no frequency). This variant has not been reported in the literature in individuals affected with DUOX2-related conditions. ClinVar contains an entry for this variant (Variation ID: 1422127). Invitae Evidence Modeling of protein sequence and biophysical properties (such as structural, functional, and spatial information, amino acid conservation, physicochemical variation, residue mobility, and thermodynamic stability) indicates that this missense variant is expected to disrupt DUOX2 protein function with a positive predictive value of 80%. In summary, the available evidence is currently insufficient to determine the role of this variant in disease. Therefore, it has been classified as a Variant of Uncertain Significance.